The following is an entry in ClinVar:

ClinVar aggregate classification (germline): Uncertain significance (1 of 4 stars; one submission).

gnomAD v4.1: 1 of 1,612,200 alleles (0.000062%); highest among the groups gnomAD compares: Admixed American, 0.0017%; no homozygotes.

Submission:

Labcorp Genetics (formerly Invitae), Labcorp
Classification: Uncertain significance. Last evaluated: 2025-05-27. Review status: criteria provided, single submitter. Criteria: Invitae Variant Classification Sherloc (09022015). Collection method: clinical testing. Allele origin: germline.
Comment: This sequence change replaces lysine, which is basic and polar, with methionine, which is neutral and non-polar, at codon 835 of the SETD5 protein (p.Lys835Met). This variant is present in population databases (no rsID available, gnomAD 0.003%). This variant has not been reported in the literature in individuals affected with SETD5-related conditions. Invitae Evidence Modeling of protein sequence and biophysical properties (such as structural, functional, and spatial information, amino acid conservation, physicochemical variation, residue mobility, and thermodynamic stability) indicates that this missense variant is not expected to disrupt SETD5 protein function with a negative predictive value of 80%. In summary, the available evidence is currently insufficient to determine the role of this variant in disease. Therefore, it has been classified as a Variant of Uncertain Significance.

NM_001080517.3(SETD5):c.2504A>T (p.Lys835Met)

Gene: SETD5 (SET domain containing 5; plus strand). Cytogenetic location: 3p25.3.
Variant type: single nucleotide variant.
Coding change: c.2504A>T on transcript NM_001080517.3 (MANE Select); coding-DNA position 2504, A replaced by T.
Protein change: p.Lys835Met; replaces lysine 835 with methionine.
Molecular consequence: missense variant.
Genome position (GRCh38, 1-based): chr3:9,464,452, A>T. VCF-style: chr3-9464452-A-T. GRCh37 (hg19) VCF-style: chr3-9506136-A-T.
Other names: c.2210A>T, p.Lys737Met (NM_001292043.2, NM_001349451.2); c.2600A>T, p.Lys867Met (NM_001437633.1); c.2561A>T, p.Lys854Met (NM_001437635.1); c.2504A>T, p.Lys835Met (NM_001437643.1); c.2543A>T, p.Lys848Met (NM_001437701.1); short protein forms K737M, K835M, K848M, K854M, K867M.
Identifiers: ClinVar variation 4805041 (VCV004805041.1).
Genomic context (GRCh38, chr3:9,464,452, plus strand): 5'-TTCAAACTCTCATCCAAGCTTTGTGTTTCACAGACTTGTTGAGCCCATTAAAGAAATGGA[A>T]GTCTCGCTATCTGATGGAGCAGAATGTCACCAAGTTACTTCGGCCTCTGTCTCCAGTCAC-3'
Protein context (NP_001073986.1, residues 825-845): ADLLSPLKKW[Lys835Met]SRYLMEQNVT